The following is an entry in ClinVar:

NM_004168.4(SDHA):c.996_998delinsCAC (p.Val333Thr)

Gene: SDHA (succinate dehydrogenase complex flavoprotein subunit A; plus strand). Cytogenetic location: 5p15.33.
Variant type: Indel.
Coding change: c.996_998delinsCAC on transcript NM_004168.4 (MANE Select); coding-DNA positions 996 to 998, TGT replaced by CAC.
Protein change: p.Val333Thr; replaces valine 333 with threonine.
Molecular consequence: missense variant.
Genome position (GRCh38, 1-based): chr5:233,577-233,579, TGT replaced by CAC. VCF-style: chr5-233577-TGT-CAC. GRCh37 (hg19) VCF-style: chr5-233692-TGT-CAC.
Other names: c.996_998delinsCAC (NM_004168.3); c.852_854delinsCAC, p.Val285Thr (NM_001294332.2); c.996_998delinsCAC, p.Val333Thr (NM_001330758.2); short protein forms V333T, V285T.
Identifiers: ClinVar variation 371798 (VCV000371798.17), dbSNP rs1057517540, ClinGen allele CA16042100.
Genomic context (GRCh38, chr5:233,577, plus strand): 5'-TGGAGAGGGAGGCATTCTCATTAACAGTCAAGGCGAAAGGTTTATGGAGCGATACGCCCC[TGT>CAC]CGCGAAGGACCTGGCGTCTAGAGATGTGGTGTCTCGGTCCATGACTCTGGAGATCCGAGA-3'
Protein context (NP_004159.2, residues 323-343): GERFMERYAP[Val333Thr]AKDLASRDVV

ClinVar aggregate classification (germline): Uncertain significance. Review status: criteria provided, multiple submitters, no conflicts (2 of 4 stars). 6 submissions from 6 submitters: Uncertain significance (5). 1 of the submissions does not count toward it. Last evaluated 2026-04-08.

Conditions:
Mitochondrial complex II deficiency, nuclear type 1. Also called: SUCCINATE CoQ REDUCTASE DEFICIENCY. Identifiers: Orphanet 3208, MedGen C5700310, MONDO:0100294, OMIM 252011.
Pheochromocytoma/paraganglioma syndrome 5. Also called: Paragangliomas 5; SDHA-Related Hereditary Paraganglioma-Pheochromocytoma Syndrome. Identifiers: Orphanet 29072, MedGen C3279992, MONDO:0013602, OMIM 614165.
Hereditary cancer-predisposing syndrome. Also called: Hereditary neoplastic syndrome; Neoplastic Syndromes, Hereditary; Tumor predisposition; Hereditary Cancer Syndrome. Identifiers: Orphanet 140162, MedGen C0027672, MeSH D009386, MONDO:0015356.

Submissions (6):

Helix
Classification: Uncertain significance for Pheochromocytoma/paraganglioma syndrome 5. Last evaluated: 2026-04-08. Review status: criteria provided, single submitter. Criteria: ACMG Guidelines, 2015. Collection method: clinical testing. Allele origin: germline. Inheritance: Autosomal dominant inheritance.
Comment: This variant (NM_004168.4:c.996_998delinsCAC p.Val333Thr) results in the substitution of valine with threonine at codon 333 in the SDHA protein. It is a rare variant that is absent from the large gnomAD population database (v4.1). To our knowledge, this variant has not been reported in individuals with SDHA-related conditions in the published literature. In silico prediction from REVEL is not available for this variant type. This variant is present in ClinVar (Accession: VCV000371798.16). In conclusion, since the available evidence is limited, the clinical significance of this variant is unclear at this time. Therefore, it is classified as a Variant of Uncertain Significance.

Ambry Genetics
Classification: Uncertain significance for Hereditary cancer-predisposing syndrome. Last evaluated: 2025-09-08. Review status: criteria provided, single submitter. Criteria: Ambry Variant Classification Scheme 2023. Collection method: clinical testing. Allele origin: germline.
Comment: The c.996_998delTGTinsCAC variant (also known as p.V333T), located in coding exon 8 of the SDHA gene, results from an in-frame deletion of TGT and insertion of CAC at nucleotide positions 996 to 998. This results in the substitution of the valine residue for a threonine residue at codon 333, an amino acid with similar properties. This amino acid position is well conserved in available vertebrate species. In addition, this alteration is predicted to be neutral by in silico analysis (Choi Y et al. PLoS ONE. 2012; 7(10):e46688). Based on the available evidence, the clinical significance of this variant remains unclear.

Labcorp Genetics (formerly Invitae), Labcorp
Classification: Uncertain significance for Pheochromocytoma/paraganglioma syndrome 5; Mitochondrial complex II deficiency, nuclear type 1. Last evaluated: 2025-07-31. Review status: criteria provided, single submitter. Criteria: Invitae Variant Classification Sherloc (09022015). Collection method: clinical testing. Allele origin: germline.
Comment: This sequence change replaces valine, which is neutral and non-polar, with threonine, which is neutral and polar, at codon 333 of the SDHA protein (p.Val333Thr). Information on the frequency of this variant in the gnomAD database is not available, as this variant may be reported differently in the database. This variant has not been reported in the literature in individuals affected with SDHA-related conditions. ClinVar contains an entry for this variant (Variation ID: 371798). Experimental studies and prediction algorithms are not available or were not evaluated, and the functional significance of this variant is currently unknown. In summary, the available evidence is currently insufficient to determine the role of this variant in disease. Therefore, it has been classified as a Variant of Uncertain Significance.

Myriad Genetics, Inc.
Classification: Uncertain significance for Pheochromocytoma/paraganglioma syndrome 5. Last evaluated: 2023-04-21. Review status: criteria provided, single submitter. Criteria: Myriad Autosomal Dominant, Autosomal Recessive and X-Linked Classification Criteria (2023). Collection method: clinical testing. Allele origin: unknown.
Comment: This variant is classified as a variant of uncertain significance as there is insufficient evidence to determine its impact on protein function and/or cancer risk.

St. Jude Molecular Pathology, St. Jude Children's Research Hospital
Classification: Uncertain significance for Pheochromocytoma/paraganglioma syndrome 5. Last evaluated: 2022-12-01. Review status: criteria provided, single submitter. Criteria: St. Jude Assertion Criteria 2020. Collection method: clinical testing. Allele origin: germline.
Comment: The SDHA c.996_998delinsCAC (p.Val333Thr) missense change is absent in gnomAD v2.1.1. In silico tools predict a benign effect of this variant on protein function, but to our knowledge these predictions have not been confirmed by functional studies. To our knowledge, this variant has not been reported in individuals with SDHA-associated tumors. In summary, the evidence currently available is insufficient to determine the clinical significance of this variant. It has therefore been classified as of uncertain significance.

Counsyl
Classification: Uncertain significance for Pheochromocytoma/paraganglioma syndrome 5. Last evaluated: 2015-12-02. Review status: no assertion criteria provided. Collection method: clinical testing. Allele origin: unknown. Not counted in ClinVar's aggregate classification.